The following is an entry in ClinVar:

ClinVar aggregate classification (germline): Pathogenic (1 of 4 stars; one submission).

Conditions:
Neurodevelopmental disorder with hypotonia, stereotypic hand movements, and impaired language. Also called: Intellectual disability, autosomal dominant 20. Identifiers: Orphanet 228384, Orphanet 664410, MedGen C3150700, MONDO:0013266, OMIM 613443.

gnomAD v4.1: 1 of 1,414,680 alleles (0.000071%); highest among the groups gnomAD compares: South Asian, 0.0017%; no homozygotes.

Submission:

Clinical Genetics Laboratory, University Hospital Schleswig-Holstein
Classification: Pathogenic for Neurodevelopmental disorder with hypotonia, stereotypic hand movements, and impaired language. Last evaluated: 2025-02-18. Review status: criteria provided, single submitter. Criteria: ACMG Guidelines, 2015. Collection method: clinical testing. Allele origin: de novo. Affected: yes. Observed: 1 heterozygote.
Comment: ACMG criteria applied: PM2, PVS1_Strong, PS1_Supporting, PP4, PM6

NM_002397.5(MEF2C):c.965-1G>A

Gene: MEF2C (myocyte enhancer factor 2C; minus strand). Cytogenetic location: 5q14.3.
Variant type: single nucleotide variant.
Coding change: c.965-1G>A on transcript NM_002397.5 (MANE Select); the canonical splice acceptor site of the intron before coding-DNA position 965, G replaced by A.
Molecular consequence: splice acceptor variant.
Genome position (GRCh38, 1-based): chr5:88,728,629, C>T on the plus strand (G>A on the coding strand, the complement: MEF2C is on the minus strand). VCF-style: chr5-88728629-C-T. GRCh37 (hg19) VCF-style: chr5-88024446-C-T.
Other names: c.965-1G>A (NM_001364329.2, NM_001364330.2, NM_001193350.2 and 9 more transcripts); c.941-1G>A (NM_001364333.2, NM_001308002.3, NM_001364349.2 and 6 more transcripts); c.821-1G>A (NM_001364344.2, NM_001364354.2, NM_001364332.2 and 2 more transcripts); c.587-1G>A (NM_001364353.2, NM_001364356.2); c.935-1G>A (NM_001131005.2, NM_001364352.2, NM_001364343.2); c.995-1G>A (NM_001193347.1, NM_001364338.2); c.797-1G>A (NM_001193348.1); c.515-1G>A (NM_001364357.2).
Identifiers: ClinVar variation 5042019 (VCV005042019.1).